The following is an entry in ClinVar:

ClinVar aggregate classification (germline): Conflicting classifications of pathogenicity. Review status: criteria provided, conflicting classifications (1 of 4 stars). 2 submissions from 2 submitters: Likely pathogenic (1); Uncertain significance (1). Last evaluated 2024-06-14.

Conditions:
Perrault syndrome 2 (PRLTS2). Identifiers: Orphanet 2855, Orphanet 642976, MedGen C3554105, MONDO:0013972, OMIM 614926.

Allele frequency attached by ClinVar (database versions not stated): gnomAD exomes below 0.00001; ExAC 0.00001; TOPMed 0.00001.
gnomAD v4.1: 6 of 1,601,116 alleles (0.00037%); highest among the groups gnomAD compares: Admixed American, 0.005%; no homozygotes.

Submissions (2):

Genetics Department, Hospital Ramon y Cajal-IRYCIS
Classification: Likely pathogenic for Perrault syndrome 2. Last evaluated: 2024-06-14. Review status: criteria provided, single submitter. Criteria: ClinGen HL ACMG Specifications v1. Collection method: research. Allele origin: paternal. Affected: yes.
Comment: Found in trans with NM_012208.4:c.1012G>A

Labcorp Genetics (formerly Invitae), Labcorp
Classification: Uncertain significance. Last evaluated: 2022-09-21. Review status: criteria provided, single submitter. Criteria: Invitae Variant Classification Sherloc (09022015). Collection method: clinical testing. Allele origin: germline.
Comment: This variant is present in population databases (rs761425145, gnomAD 0.006%). In summary, the available evidence is currently insufficient to determine the role of this variant in disease. Therefore, it has been classified as a Variant of Uncertain Significance. Advanced modeling of protein sequence and biophysical properties (such as structural, functional, and spatial information, amino acid conservation, physicochemical variation, residue mobility, and thermodynamic stability) performed at Invitae indicates that this missense variant is expected to disrupt HARS2 protein function. This variant has not been reported in the literature in individuals affected with HARS2-related conditions. This sequence change replaces aspartic acid, which is acidic and polar, with alanine, which is neutral and non-polar, at codon 243 of the HARS2 protein (p.Asp243Ala).

NM_012208.4(HARS2):c.728A>C (p.Asp243Ala)

Gene: HARS2 (histidyl-tRNA synthetase 2, mitochondrial; plus strand). Cytogenetic location: 5q31.3.
Variant type: single nucleotide variant.
Coding change: c.728A>C on transcript NM_012208.4 (MANE Select); coding-DNA position 728, A replaced by C.
Protein change: p.Asp243Ala; replaces aspartic acid 243 with alanine.
Molecular consequence: missense variant.
Genome position (GRCh38, 1-based): chr5:140,696,197, A>C. VCF-style: chr5-140696197-A-C. GRCh37 (hg19) VCF-style: chr5-140075782-A-C.
Other names: c.653A>C, p.Asp218Ala (NM_001278731.2); c.296A>C, p.Asp99Ala (NM_001278732.2); c.746A>C, p.Asp249Ala (NM_001363535.2); c.518A>C, p.Asp173Ala (NM_001363536.2); short protein forms D243A, D173A, D218A, D249A, D99A.
Identifiers: ClinVar variation 1964960 (VCV001964960.6), dbSNP rs761425145, ClinGen allele CA3444513.